The following is an entry in ClinVar:

NM_000742.4(CHRNA2):c.1035C>A (p.Ile345=)

Gene: CHRNA2 (cholinergic receptor nicotinic alpha 2 subunit; minus strand). Cytogenetic location: 8p21.2.
Variant type: single nucleotide variant.
Coding change: c.1035C>A on transcript NM_000742.4 (MANE Select); coding-DNA position 1035, C replaced by A.
Protein change: p.Ile345=; no amino-acid change (isoleucine 345 retained).
Molecular consequence: synonymous variant.
Genome position (GRCh38, 1-based): chr8:27,463,408, G>T on the plus strand (C>A on the coding strand, the complement: CHRNA2 is on the minus strand). VCF-style: chr8-27463408-G-T. GRCh37 (hg19) VCF-style: chr8-27320925-G-T.
Other names: c.990C>A, p.Ile330= (NM_001282455.2); c.558C>A, p.Ile186= (NM_001347705.2, NM_001347706.2); c.441C>A, p.Ile147= (NM_001347707.2, NM_001347708.2).
Identifiers: ClinVar variation 4085103 (VCV004085103.8).

ClinVar aggregate classification (germline): Likely benign (1 of 4 stars; one submission).

Submission:

CeGaT Center for Human Genetics Tuebingen
Classification: Likely benign. Last evaluated: 2025-06-01. Review status: criteria provided, single submitter. Criteria: CeGaT Center For Human Genetics Tuebingen Variant Classification Criteria Version 2. Collection method: clinical testing. Allele origin: germline. Affected: yes. Observed: 1 variant allele.
Comment: CHRNA2: PM2:Supporting, BP4, BP7